The following is an entry in ClinVar:

ClinVar aggregate classification (germline): Pathogenic (1 of 4 stars; one submission).

Conditions:
Spastic paraplegia. Identifiers: MedGen C0037772, HP:0001258.

Submission:

Labcorp Genetics (formerly Invitae), Labcorp
Classification: Pathogenic for Spastic paraplegia. Last evaluated: 2020-12-29. Review status: criteria provided, single submitter. Criteria: Invitae Variant Classification Sherloc (09022015). Collection method: clinical testing. Allele origin: germline.
Comment: For these reasons, this variant has been classified as Pathogenic. This variant has been observed in individual(s) with clinical features of an X-linked intellectual disability syndrome (Invitae). This variant is not present in population databases (ExAC no frequency). This sequence change creates a premature translational stop signal (p.Leu394Alafs*11) in the KDM5C gene. It is expected to result in an absent or disrupted protein product. Loss-of-function variants in KDM5C are known to be pathogenic (PMID: 15586325, 18697827).

Literature cited by the submitters: PubMed 15586325; PubMed 18697827.

NM_004187.5(KDM5C):c.1180_1181del (p.Leu394fs)

Gene: KDM5C (lysine demethylase 5C; minus strand). Cytogenetic location: Xp11.22.
Variant type: Microsatellite.
Coding change: c.1180_1181del on transcript NM_004187.5 (MANE Select); coding-DNA positions 1180 to 1181, 2 bases deleted (CT; older notation c.1180_1181delCT).
Protein change: p.Leu394fs; shifts the reading frame from leucine 394.
Molecular consequence: frameshift variant. On other transcripts: non-coding transcript variant (3).
Genome position (GRCh38, 1-based): chrX:53,211,848-53,211,849, AG deleted on the plus strand (CT on the coding strand, the reverse complement: KDM5C is on the minus strand); deleting any 2 consecutive bases within chrX:53,211,848-53,211,851 gives the same sequence; the c. name uses the placement nearest the transcript's 3' end. VCF-style (leftmost placement, unchanged base first): chrX-53211847-CAG-C. GRCh37 (hg19) VCF-style: chrX-53241029-CAG-C.
Other names: c.979_980del, p.Leu327fs (NM_001146702.2); c.1177_1178del, p.Leu393fs (NM_001282622.3, NM_001353979.2, NM_001353982.2); c.1180_1181del, p.Leu394fs (NM_001353978.3, NM_001353981.2, NM_001353984.2); short protein forms L327fs, L393fs, L394fs.
Identifiers: ClinVar variation 1455857 (VCV001455857.6), dbSNP rs2146921497, ClinGen allele CA2580617054.